The following is an entry in ClinVar:

ClinVar aggregate classification (germline): Benign (1 of 4 stars; one submission).

Allele frequency attached by ClinVar (database versions not stated): 1000 Genomes Project 0.01937; 1000 Genomes Project 30x 0.02014; gnomAD 0.03825 and 0.03878; TOPMed 0.03956.
gnomAD v4.1: 5,806 of 152,284 alleles (3.8%); highest among the groups gnomAD compares: Middle Eastern, 10%; 157 homozygotes.

Submission:

GeneDx
Classification: Benign. Last evaluated: 2018-06-16. Review status: criteria provided, single submitter. Criteria: GeneDx Variant Classification (06012015). Collection method: clinical testing. Allele origin: germline. Affected: yes.
Comment: This variant is considered likely benign or benign based on one or more of the following criteria: it is a conservative change, it occurs at a poorly conserved position in the protein, it is predicted to be benign by multiple in silico algorithms, and/or has population frequency not consistent with disease.

NM_153704.6(TMEM67):c.2100+238A>G

Gene: TMEM67 (transmembrane protein 67; plus strand). Cytogenetic location: 8q22.1.
Variant type: single nucleotide variant.
Coding change: c.2100+238A>G on transcript NM_153704.6 (MANE Select); 238 bases into the intron after coding-DNA position 2100, A replaced by G.
Molecular consequence: intron variant.
Genome position (GRCh38, 1-based): chr8:93,797,708, A>G. VCF-style: chr8-93797708-A-G. GRCh37 (hg19) VCF-style: chr8-94809936-A-G.
Other names: c.1857+238A>G (NM_001142301.1).
Identifiers: ClinVar variation 672288 (VCV000672288.1), dbSNP rs13272163, ClinGen allele CA12883056.